The following is an entry in ClinVar:

ClinVar aggregate classification (germline): Pathogenic (1 of 4 stars; one submission).

Conditions:
Autosomal recessive polycystic kidney disease (ARPKD). Also called: AR polycystic kidney disease. Identifiers: Orphanet 731, Orphanet 8378, MedGen C0085548, MeSH D017044, MONDO:0009889.

Submission:

Labcorp Genetics (formerly Invitae), Labcorp
Classification: Pathogenic for Autosomal recessive polycystic kidney disease. Last evaluated: 2021-11-20. Review status: criteria provided, single submitter. Criteria: Invitae Variant Classification Sherloc (09022015). Collection method: clinical testing. Allele origin: germline.
Comment: For these reasons, this variant has been classified as Pathogenic. Algorithms developed to predict the effect of sequence changes on RNA splicing suggest that this variant may create or strengthen a splice site. This variant has not been reported in the literature in individuals affected with PKHD1-related conditions. This variant is not present in population databases (gnomAD no frequency). This sequence change creates a premature translational stop signal (p.Val734Glyfs*31) in the PKHD1 gene. It is expected to result in an absent or disrupted protein product. Loss-of-function variants in PKHD1 are known to be pathogenic (PMID: 19940839).

Literature cited by the submitters: PubMed 19940839.

NM_138694.4(PKHD1):c.2201_2202del (p.Val734fs)

Gene: PKHD1 (PKHD1 ciliary IPT domain containing fibrocystin/polyductin; minus strand). Cytogenetic location: 6p12.2.
Variant type: Microsatellite.
Coding change: c.2201_2202del on transcript NM_138694.4 (MANE Select); coding-DNA positions 2201 to 2202, 2 bases deleted (TG; older notation c.2201_2202delTG).
Protein change: p.Val734fs; shifts the reading frame from valine 734.
Molecular consequence: frameshift variant.
Genome position (GRCh38, 1-based): chr6:52,050,234-52,050,235, CA deleted on the plus strand (TG on the coding strand, the reverse complement: PKHD1 is on the minus strand); deleting any 2 consecutive bases within chr6:52,050,234-52,050,237 gives the same sequence; the c. name uses the placement nearest the transcript's 3' end. VCF-style (leftmost placement, unchanged base first): chr6-52050233-CCA-C. GRCh37 (hg19) VCF-style: chr6-51915031-CCA-C.
Other names: c.2201_2202del, p.Val734fs (NM_170724.3); short protein forms V734fs.
Identifiers: ClinVar variation 1451741 (VCV001451741.6), dbSNP rs1806590811, ClinGen allele CA1088991826.
Genomic context (GRCh38, chr6:52,050,233, plus strand): 5'-GGAGCTCCGTGCCACACCCCGCCAGCCAGGAGGTGACACTGTAGACCGGAGGGGATCCCA[CCA>C]CAGAGACTGATTCCACCAGATTGCCCCCTGGGCGAGCCGTTCCAGAATCAGCTTGAGAAA-3'